The following is an entry in ClinVar:

ClinVar aggregate classification (germline): Uncertain significance (0 of 4 stars; one submission).

Conditions:
KATNAL2-related disorder. Also called: KATNAL2-related condition.

Submission:

PreventionGenetics, part of Exact Sciences
Classification: Uncertain significance for KATNAL2-related condition. Last evaluated: 2024-03-21. Review status: no assertion criteria provided. Collection method: clinical testing. Allele origin: germline.
Comment: The KATNAL2 c.37T>A variant is predicted to result in the amino acid substitution p.Phe13Ile. To our knowledge, this variant has not been reported in the literature or in a large population database, indicating this variant is rare. At this time, the clinical significance of this variant is uncertain due to the absence of conclusive functional and genetic evidence.

NM_001387690.1(KATNAL2):c.-313T>A

Gene: KATNAL2 (katanin catalytic subunit A1 like 2; plus strand). Cytogenetic location: 18q21.1.
Variant type: single nucleotide variant.
Coding change: c.-313T>A on transcript NM_001387690.1 (MANE Select); 313 bases upstream of the start codon, T replaced by A.
Molecular consequence: 5 prime UTR variant. On other transcripts: missense variant (3), non-coding transcript variant (1).
Genome position (GRCh38, 1-based): chr18:46,946,253, T>A. VCF-style: chr18-46946253-T-A. GRCh37 (hg19) VCF-style: chr18-44526216-T-A.
Other names: c.37T>A, p.Phe13Ile (NM_001353899.1, NM_001353900.1, NM_001353902.1); c.-313T>A (NM_001353901.1); c.-94T>A (NM_001353903.1, NM_001353906.1, NM_001353908.1); c.-365T>A (NM_001353904.1, NM_001353907.1, NM_001353909.1); c.-387T>A (NM_001353905.1); short protein forms F13I.
Identifiers: ClinVar variation 3349788 (VCV003349788.1).
Genomic context (GRCh38, chr18:46,946,253, plus strand): 5'-TTGAAGAAACAGACTAGTTAACACATGAAAAAAATAGAGCAGAGGAAAACACGTCCATGT[T>A]TTTCCACGTCTAATGAGAACAGGTCTGATGTGAAAGGAATTGGAGGAGAAGGGGAAGTTT-3'